The following is an entry in ClinVar:

ClinVar aggregate classification (germline): Conflicting classifications of pathogenicity. Review status: criteria provided, conflicting classifications (1 of 4 stars). 6 submissions from 6 submitters: Pathogenic (2); Uncertain significance (1). 3 of the submissions do not count toward it. Last evaluated 2020-03-26.

Conditions:
Pulmonary fibrosis and/or bone marrow failure, Telomere-related, 2. Also called: PULMONARY FIBROSIS AND/OR BONE MARROW FAILURE SYNDROME, TELOMERE-RELATED, 2. Identifiers: Orphanet 88, MedGen C3553622, MONDO:0013879, OMIM 614743.
TERC-related disorder. Also called: TERC-related condition.
Pulmonary fibrosis. Identifiers: MedGen C0034069, MONDO:0002771, HP:0002206.
Dyskeratosis congenita, autosomal dominant 1 (DKCA1). Also called: Dyskeratosis congenita Scoggins type. Identifiers: Orphanet 1775, MedGen C4551974, MONDO:0007485, OMIM 127550. Inheritance: Variable.

Allele frequency attached by ClinVar (database versions not stated): TOPMed below 0.00001.

Submissions (6):

Labcorp Genetics (formerly Invitae), Labcorp
Classification: Uncertain significance for Dyskeratosis congenita, autosomal dominant 1. Last evaluated: 2020-03-26. Review status: criteria provided, single submitter. Criteria: Invitae Variant Classification Sherloc (09022015). Collection method: clinical testing. Allele origin: germline.
Comment: This variant is not present in population databases (ExAC no frequency). This variant occurs in the TERC gene, which encodes an RNA molecule that does not result in a protein product. This variant has been observed in individual(s) with aplastic anemia (PMID: 14630445). ClinVar contains an entry for this variant (Variation ID: 7326). In summary, the available evidence is currently insufficient to determine the role of this variant in disease. Therefore, it has been classified as a Variant of Uncertain Significance. This variant is located within the template/pseudoknot domain of the TERC RNA component, which is required for RNA or RNP stability (PMID: 15082312, 21844345). Functional studies testing the effect of this variant on TERC secondary structure or function have not been reported.

Genetic Services Laboratory, University of Chicago
Classification: Pathogenic. Last evaluated: 2019-11-15. Review status: criteria provided, single submitter. Criteria: ACMG Guidelines, 2015. Collection method: clinical testing. Allele origin: germline. Affected: yes.
Comment: DNA sequence analysis of the TERC gene demonstrated a sequence change, n.116C>T. This sequence change affects a highly conserved nucleotide located in a domain of the telomerase RNA that is known to be functional. This sequence change has not been described in population databases (gnomAD, ExAC). The n.116C>T change has been identified in individuals with aplastic anemia, telomeres shortening, and thrombocytopenia (PMID: 20022961, 14630445, 16670076). Functional studies revealed a partial loss of function in telomerase catalytic activation in the presence of this sequence change (PMID: 20022961).

Blueprint Genetics
Classification: Pathogenic for TERC-related disorders. Last evaluated: 2019-07-11. Review status: criteria provided, single submitter. Criteria: ACMG Guidelines, 2015. Collection method: clinical testing. Allele origin: germline. Affected: yes. Observed: 1 variant allele.

Garcia Pulmonary Genetics Research Laboratory, Columbia University Irving Medical Center
Classification: Likely risk allele for Pulmonary fibrosis. Last evaluated: 2022-06-09. Review status: no assertion criteria provided. Collection method: research. Allele origin: germline. Affected: yes. Not counted in ClinVar's aggregate classification.
Comment: Leukocyte telomere length (by qPCR) less than 10th percentile age-adjusted

GeneReviews
Classification: Pathogenic for Dyskeratosis Congenita. Last evaluated: 2012-05-10. Review status: no assertion criteria provided. Collection method: curation. Allele origin: unknown. Not counted in ClinVar's aggregate classification.
ClinVar note: Converted during submission from pathologic to Pathogenic.

OMIM
Classification: Pathogenic for PULMONARY FIBROSIS AND/OR BONE MARROW FAILURE SYNDROME, TELOMERE-RELATED, 2. Last evaluated: 2003-11-15. Review status: no assertion criteria provided. Collection method: literature only. Allele origin: germline. Not counted in ClinVar's aggregate classification.

Literature cited by the submitters: PubMed 14630445 (cited by Labcorp Genetics (formerly Invitae), Labcorp and OMIM); PubMed 15082312 (cited by Labcorp Genetics (formerly Invitae), Labcorp); PubMed 21844345 (cited by Labcorp Genetics (formerly Invitae), Labcorp).

NR_001566.3(TERC):n.116C>T

Genes: TERC (telomerase RNA component; minus strand), LOC110806306 (telomerase RNA component (TERC) promoter; plus strand). Cytogenetic location: 3q26.2.
Variant type: single nucleotide variant.
Genome position: GRCh38 VCF-style: chr3-169764945-G-A. GRCh37 (hg19) VCF-style: chr3-169482733-G-A.
Other names: 116C-T; NR_001566.1:r.116c>u (C116T).
Identifiers: ClinVar variation 7326 (VCV000007326.44), dbSNP rs199422272, ClinGen allele CA118716.